The following is an entry in ClinVar:

NM_052876.4(NACC1):c.1073A>G (p.Lys358Arg)

Gene: NACC1 (nucleus accumbens associated 1; plus strand). Cytogenetic location: 19p13.13.
Variant type: single nucleotide variant.
Coding change: c.1073A>G on transcript NM_052876.4 (MANE Select); coding-DNA position 1073, A replaced by G.
Protein change: p.Lys358Arg; replaces lysine 358 with arginine.
Molecular consequence: missense variant.
Genome position (GRCh38, 1-based): chr19:13,136,358, A>G. VCF-style: chr19-13136358-A-G. GRCh37 (hg19) VCF-style: chr19-13247172-A-G.
Other names: short protein forms K358R.
Identifiers: ClinVar variation 2757459 (VCV002757459.3), dbSNP rs1395365503, ClinGen allele CA404327557.

ClinVar aggregate classification (germline): Uncertain significance (1 of 4 stars; one submission).

Allele frequency attached by ClinVar (database versions not stated): gnomAD exomes below 0.00001.
gnomAD v4.1: 2 of 1,614,048 alleles (0.00012%); highest among the groups gnomAD compares: Non-Finnish European, 0.000085%; no homozygotes.

Submission:

Labcorp Genetics (formerly Invitae), Labcorp
Classification: Uncertain significance. Last evaluated: 2023-09-03. Review status: criteria provided, single submitter. Criteria: Invitae Variant Classification Sherloc (09022015). Collection method: clinical testing. Allele origin: germline.
Comment: This sequence change replaces lysine, which is basic and polar, with arginine, which is basic and polar, at codon 358 of the NACC1 protein (p.Lys358Arg). This variant is present in population databases (no rsID available, gnomAD 0.0009%). This variant has not been reported in the literature in individuals affected with NACC1-related conditions. Advanced modeling of protein sequence and biophysical properties (such as structural, functional, and spatial information, amino acid conservation, physicochemical variation, residue mobility, and thermodynamic stability) performed at Invitae indicates that this missense variant is not expected to disrupt NACC1 protein function. In summary, the available evidence is currently insufficient to determine the role of this variant in disease. Therefore, it has been classified as a Variant of Uncertain Significance.